The following is an entry in ClinVar:

NM_005045.4(RELN):c.1555G>A (p.Val519Ile)

Gene: RELN (reelin; minus strand). Cytogenetic location: 7q22.1.
Variant type: single nucleotide variant.
Coding change: c.1555G>A on transcript NM_005045.4 (MANE Select); coding-DNA position 1555, G replaced by A.
Protein change: p.Val519Ile; replaces valine 519 with isoleucine.
Molecular consequence: missense variant.
Genome position (GRCh38, 1-based): chr7:103,652,759, C>T on the plus strand (G>A on the coding strand, the complement: RELN is on the minus strand). VCF-style: chr7-103652759-C-T. GRCh37 (hg19) VCF-style: chr7-103293206-C-T.
Other names: c.1555G>A, p.Val519Ile (NM_173054.3); short protein forms V519I.
Identifiers: ClinVar variation 834770 (VCV000834770.9), dbSNP rs560704715, ClinGen allele CA163941222.

ClinVar aggregate classification (germline): Uncertain significance (1 of 4 stars; one submission).

Conditions:
Norman-Roberts syndrome (LIS2). Also called: Lissencephaly 2 (Norman-Roberts type). Identifiers: Orphanet 89844, MedGen C0796089, MONDO:0009760, OMIM 257320.
Familial temporal lobe epilepsy 7. Identifiers: Orphanet 101046, MedGen C4225327, MONDO:0014639, OMIM 616436.

Allele frequency attached by ClinVar (database versions not stated): TOPMed 0.00001.
gnomAD v4.1: 9 of 1,612,426 alleles (0.00056%); highest among the groups gnomAD compares: African/African-American, 0.0013%; no homozygotes.

Submission:

Labcorp Genetics (formerly Invitae), Labcorp
Classification: Uncertain significance for Familial temporal lobe epilepsy 7; Norman-Roberts syndrome. Last evaluated: 2022-11-16. Review status: criteria provided, single submitter. Criteria: Invitae Variant Classification Sherloc (09022015). Collection method: clinical testing. Allele origin: germline.
Comment: In summary, the available evidence is currently insufficient to determine the role of this variant in disease. Therefore, it has been classified as a Variant of Uncertain Significance. Algorithms developed to predict the effect of sequence changes on RNA splicing suggest that this variant may disrupt the consensus splice site. Algorithms developed to predict the effect of missense changes on protein structure and function (SIFT, PolyPhen-2, Align-GVGD) all suggest that this variant is likely to be tolerated. ClinVar contains an entry for this variant (Variation ID: 834770). This variant has not been reported in the literature in individuals affected with RELN-related conditions. This variant is present in population databases (no rsID available, gnomAD 0.0009%). This sequence change replaces valine, which is neutral and non-polar, with isoleucine, which is neutral and non-polar, at codon 519 of the RELN protein (p.Val519Ile).